The following is an entry in ClinVar:

NM_014236.4(GNPAT):c.1553G>A (p.Arg518His)

Gene: GNPAT (glyceronephosphate O-acyltransferase; plus strand). Cytogenetic location: 1q42.2.
Variant type: single nucleotide variant.
Coding change: c.1553G>A on transcript NM_014236.4 (MANE Select); coding-DNA position 1553, G replaced by A.
Protein change: p.Arg518His; replaces arginine 518 with histidine.
Molecular consequence: missense variant.
Genome position (GRCh38, 1-based): chr1:231,272,342, G>A. VCF-style: chr1-231272342-G-A. GRCh37 (hg19) VCF-style: chr1-231408088-G-A.
Other names: c.1553G>A (NM_014236.3); c.1370G>A, p.Arg457His (NM_001316350.2); short protein forms R518H, R457H.
Identifiers: ClinVar variation 1391036 (VCV001391036.8), dbSNP rs1450942011, ClinGen allele CA345237956.

ClinVar aggregate classification (germline): Uncertain significance. Review status: criteria provided, multiple submitters, no conflicts (2 of 4 stars). 3 submissions from 3 submitters: Uncertain significance (3). Last evaluated 2025-02-13.

Conditions:
Inborn genetic diseases. Identifiers: MedGen C0950123, MeSH D030342.

Allele frequency attached by ClinVar (database versions not stated): gnomAD 0.00001; TOPMed 0.00001; gnomAD exomes 0.00004.

Submissions (3):

Ambry Genetics
Classification: Uncertain significance for Inborn genetic diseases. Last evaluated: 2025-02-13. Review status: criteria provided, single submitter. Criteria: Ambry Variant Classification Scheme 2023. Collection method: clinical testing. Allele origin: germline.

Blueprint Genetics
Classification: Uncertain significance. Last evaluated: 2024-10-25. Review status: criteria provided, single submitter. Criteria: ACMG Guidelines, 2015. Collection method: clinical testing. Allele origin: germline.

Labcorp Genetics (formerly Invitae), Labcorp
Classification: Uncertain significance. Last evaluated: 2022-03-02. Review status: criteria provided, single submitter. Criteria: Invitae Variant Classification Sherloc (09022015). Collection method: clinical testing. Allele origin: germline.
Comment: This sequence change replaces arginine, which is basic and polar, with histidine, which is basic and polar, at codon 518 of the GNPAT protein (p.Arg518His). This variant is present in population databases (no rsID available, gnomAD 0.007%). This variant has not been reported in the literature in individuals affected with GNPAT-related conditions. Algorithms developed to predict the effect of missense changes on protein structure and function output the following: SIFT: "Tolerated"; PolyPhen-2: "Benign"; Align-GVGD: "Class C0". The histidine amino acid residue is found in multiple mammalian species, which suggests that this missense change does not adversely affect protein function. In summary, the available evidence is currently insufficient to determine the role of this variant in disease. Therefore, it has been classified as a Variant of Uncertain Significance.